The following is an entry in ClinVar:

ClinVar aggregate classification (germline): Uncertain significance. Review status: criteria provided, multiple submitters, no conflicts (2 of 4 stars). 2 submissions from 2 submitters: Uncertain significance (2). Last evaluated 2024-09-24.

Conditions:
Ectodermal dysplasia and immunodeficiency 2. Identifiers: Orphanet 238468, Orphanet 98813, MedGen C2677481, MONDO:0012806, OMIM 612132.

Allele frequency attached by ClinVar (database versions not stated): gnomAD exomes below 0.00001 and 0.00001; gnomAD 0.00001; TOPMed 0.00001.
gnomAD v4.1: 21 of 1,614,136 alleles (0.0013%); highest among the groups gnomAD compares: Non-Finnish European, 0.0017%; no homozygotes.

Submissions (2):

Labcorp Genetics (formerly Invitae), Labcorp
Classification: Uncertain significance for Ectodermal dysplasia and immunodeficiency 2. Last evaluated: 2024-09-24. Review status: criteria provided, single submitter. Criteria: Invitae Variant Classification Sherloc (09022015). Collection method: clinical testing. Allele origin: germline.
Comment: This sequence change replaces glutamine, which is neutral and polar, with glutamic acid, which is acidic and polar, at codon 228 of the NFKBIA protein (p.Gln228Glu). This variant is present in population databases (no rsID available, gnomAD 0.0009%). This variant has not been reported in the literature in individuals affected with NFKBIA-related conditions. ClinVar contains an entry for this variant (Variation ID: 839804). An algorithm developed to predict the effect of missense changes on protein structure and function (PolyPhen-2) suggests that this variant is likely to be disruptive. In summary, the available evidence is currently insufficient to determine the role of this variant in disease. Therefore, it has been classified as a Variant of Uncertain Significance.

Blueprint Genetics
Classification: Uncertain significance. Last evaluated: 2024-09-02. Review status: criteria provided, single submitter. Criteria: ACMG Guidelines, 2015. Collection method: clinical testing. Allele origin: germline.

NM_020529.3(NFKBIA):c.682C>G (p.Gln228Glu)

Gene: NFKBIA (NFKB inhibitor alpha; minus strand). Cytogenetic location: 14q13.2.
Variant type: single nucleotide variant.
Coding change: c.682C>G on transcript NM_020529.3 (MANE Select); coding-DNA position 682, C replaced by G.
Protein change: p.Gln228Glu; replaces glutamine 228 with glutamic acid.
Molecular consequence: missense variant.
Genome position (GRCh38, 1-based): chr14:35,402,618, G>C on the plus strand (C>G on the coding strand, the complement: NFKBIA is on the minus strand). VCF-style: chr14-35402618-G-C. GRCh37 (hg19) VCF-style: chr14-35871824-G-C.
Other names: short protein forms Q228E.
Identifiers: ClinVar variation 839804 (VCV000839804.11), dbSNP rs1227706340, ClinGen allele CA389452331.